The following is an entry in ClinVar:

ClinVar aggregate classification (germline): Likely benign. Review status: criteria provided, multiple submitters, no conflicts (2 of 4 stars). 2 submissions from 2 submitters: Likely benign (2). Last evaluated 2026-09-09.

Conditions:
FHOD3-related disorder. Also called: FHOD3-related condition.

gnomAD v4.1: 33 of 1,536,008 alleles (0.0021%); highest among the groups gnomAD compares: Admixed American, 0.025%; no homozygotes.

Submissions (2):

PreventionGenetics, part of Exact Sciences
Classification: Likely benign for FHOD3-related condition. Last evaluated: 2026-09-09. Review status: criteria provided, single submitter. Criteria: ACMG Guidelines, 2015. Collection method: clinical testing. Allele origin: germline.
Comment: This variant is classified as likely benign based on ACMG/AMP sequence variant interpretation guidelines (Richards et al. 2015 PMID: 25741868, with internal and published modifications).

Blueprint Genetics
Classification: Likely benign. Last evaluated: 2024-02-16. Review status: criteria provided, single submitter. Criteria: ACMG Guidelines, 2015. Collection method: clinical testing. Allele origin: germline.

NM_001281740.3(FHOD3):c.1500C>T (p.Ser500=)

Gene: FHOD3 (formin homology 2 domain containing 3; plus strand). Cytogenetic location: 18q12.2.
Variant type: single nucleotide variant.
Coding change: c.1500C>T on transcript NM_001281740.3 (MANE Select); coding-DNA position 1500, C replaced by T.
Protein change: p.Ser500=; no amino-acid change (serine 500 retained).
Molecular consequence: synonymous variant. On other transcripts: intron variant (2).
Genome position (GRCh38, 1-based): chr18:36,652,783, C>T. VCF-style: chr18-36652783-C-T. GRCh37 (hg19) VCF-style: chr18-34232746-C-T.
Other names: c.1197-5292C>T (NM_025135.5, NM_001281739.3); c.1500C>T (NM_001281740.2).
Identifiers: ClinVar variation 4938750 (VCV004938750.2).